The following is an entry in ClinVar:

GRCh38/hg38 Xq28(chrX:156001591-156022206)x0

Genes: IL9R (interleukin 9 receptor; plus strand), WASIR1 (WASH and IL9R antisense RNA 1; minus strand). Cytogenetic location: Xq28.
Variant type: copy number loss.
Change: copy number 0 of chrX:156,001,591-156,022,206 (20.6 kb, GRCh38 coordinates, 1-based), cytogenetic band Xq28.
Identifiers: ClinVar variation 161054 (VCV000161054.1).

ClinVar aggregate classification (germline): Benign (1 of 4 stars; one submission).

Submission:

ISCA site 4
Classification: Benign. Last evaluated: 2011-08-12. Review status: criteria provided, single submitter. Criteria: Kaminsky et al. (Genet Med. 2011). Collection method: clinical testing. Allele origin: unknown. Affected: yes. Observed: 1 variant allele.
Comment: Copy number variation identified through the course of routine clinical cytogenomic testing in postnatal populations. Clinical assertions have been curated as described in Kaminsky et al. 2011.